The following is an entry in ClinVar:

NM_016169.4(SUFU):c.1180C>T (p.His394Tyr)

Gene: SUFU (SUFU negative regulator of hedgehog signaling; plus strand). Cytogenetic location: 10q24.32.
Variant type: single nucleotide variant.
Coding change: c.1180C>T on transcript NM_016169.4 (MANE Select); coding-DNA position 1180, C replaced by T.
Protein change: p.His394Tyr; replaces histidine 394 with tyrosine.
Molecular consequence: missense variant.
Genome position (GRCh38, 1-based): chr10:102,617,312, C>T. VCF-style: chr10-102617312-C-T. GRCh37 (hg19) VCF-style: chr10-104377069-C-T.
Other names: c.1180C>T, p.His394Tyr (NM_001178133.2); short protein forms H394Y.
Identifiers: ClinVar variation 3451144 (VCV003451144.1).
Genomic context (GRCh38, chr10:102,617,312, plus strand): 5'-AGCCCAGCTCCTCACTGTCTCCATGTTCCCATCTCCAGGGGCAGGCTCCTGCATGGACGG[C>T]ACTTTACATATAAAAGTATCACAGGTGACATGGCCATCACGTTTGTCTCCACGGGAGTGG-3'
Protein context (NP_057253.2, residues 384-404): CLRGRLLHGR[His394Tyr]FTYKSITGDM

ClinVar aggregate classification (germline): Uncertain significance (1 of 4 stars; one submission).

Conditions:
Hereditary cancer-predisposing syndrome. Also called: Tumor predisposition; Neoplastic Syndromes, Hereditary; Hereditary neoplastic syndrome; Hereditary Cancer Syndrome. Identifiers: Orphanet 140162, MedGen C0027672, MeSH D009386, MONDO:0015356.

Submission:

Ambry Genetics
Classification: Uncertain significance for Hereditary cancer-predisposing syndrome. Last evaluated: 2024-11-20. Review status: criteria provided, single submitter. Criteria: Ambry Variant Classification Scheme 2023. Collection method: clinical testing. Allele origin: germline.
Comment: The p.H394Y variant (also known as c.1180C>T), located in coding exon 10 of the SUFU gene, results from a C to T substitution at nucleotide position 1180. The histidine at codon 394 is replaced by tyrosine, an amino acid with similar properties. This amino acid position is conserved. In addition, this alteration is predicted to be deleterious by in silico analysis. Based on the available evidence, the clinical significance of this variant remains unclear.